The following is an entry in ClinVar:

NM_004444.5(EPHB4):c.2668G>C (p.Glu890Gln)

Genes: EPHB4 (EPH receptor B4; minus strand), LOC126860124 (CDK7 strongly-dependent group 2 enhancer GRCh37_chr7:100403701-100404900; plus strand). Cytogenetic location: 7q22.1.
Variant type: single nucleotide variant.
Coding change: c.2668G>C on transcript NM_004444.5 (MANE Select); coding-DNA position 2668, G replaced by C.
Protein change: p.Glu890Gln; replaces glutamic acid 890 with glutamine.
Molecular consequence: missense variant.
Genome position (GRCh38, 1-based): chr7:100,805,511, C>G on the plus strand (G>C on the coding strand, the complement: EPHB4 is on the minus strand). VCF-style: chr7-100805511-C-G. GRCh37 (hg19) VCF-style: chr7-100403133-C-G.
Other names: short protein forms E890Q.
Identifiers: ClinVar variation 3845463 (VCV003845463.1).

ClinVar aggregate classification (germline): Uncertain significance (1 of 4 stars; one submission).

Conditions:
Cardiovascular phenotype. Identifiers: MedGen CN230736.

Submission:

Ambry Genetics
Classification: Uncertain significance for Cardiovascular phenotype. Last evaluated: 2024-12-28. Review status: criteria provided, single submitter. Criteria: Ambry Variant Classification Scheme 2023. Collection method: clinical testing. Allele origin: germline.
Comment: The p.E890Q variant (also known as c.2668G>C), located in coding exon 15 of the EPHB4 gene, results from a G to C substitution at nucleotide position 2668. The glutamic acid at codon 890 is replaced by glutamine, an amino acid with highly similar properties. This amino acid position is conserved. In addition, this alteration is predicted to be tolerated by in silico analysis. Based on the available evidence, the clinical significance of this variant remains unclear.